The following is an entry in ClinVar:

ClinVar aggregate classification (germline): Conflicting classifications of pathogenicity. Review status: criteria provided, conflicting classifications (1 of 4 stars). 2 submissions from 2 submitters: Likely pathogenic (1); Uncertain significance (1). Last evaluated 2025-01-06.

Conditions:
Cone-rod dystrophy. Also called: Cone-rod degeneration; Cone/cone-rod dystrophy. Identifiers: Orphanet 1872, MedGen C4085590, MONDO:0015993, HP:0000548.

Submissions (2):

Labcorp Genetics (formerly Invitae), Labcorp
Classification: Likely pathogenic. Last evaluated: 2025-01-06. Review status: criteria provided, single submitter. Criteria: Invitae Variant Classification Sherloc (09022015). Collection method: clinical testing. Allele origin: germline.
Comment: This sequence change replaces glutamic acid, which is acidic and polar, with valine, which is neutral and non-polar, at codon 1447 of the ABCA4 protein (p.Glu1447Val). This variant is not present in population databases (gnomAD no frequency). This missense change has been observed in individual(s) with ABCA4-related conditions and/or Stargardt disease (PMID: 29114839, 36909829). In at least one individual the data is consistent with being in trans (on the opposite chromosome) from a pathogenic variant. ClinVar contains an entry for this variant (Variation ID: 1471303). Invitae Evidence Modeling of protein sequence and biophysical properties (such as structural, functional, and spatial information, amino acid conservation, physicochemical variation, residue mobility, and thermodynamic stability) indicates that this missense variant is expected to disrupt ABCA4 protein function with a positive predictive value of 80%. Algorithms developed to predict the effect of sequence changes on RNA splicing suggest that this variant may disrupt the consensus splice site. In summary, the currently available evidence indicates that the variant is pathogenic, but additional data are needed to prove that conclusively. Therefore, this variant has been classified as Likely Pathogenic.

Ophthalmic Genetics Group, Institute of Molecular and Clinical Ophthalmology Basel
Classification: Uncertain significance for Cone-rod dystrophy. Last evaluated: 2023-07-24. Review status: criteria provided, single submitter. Criteria: ACMG Guidelines, 2015. Collection method: research. Allele origin: germline. Affected: yes. Observed: 1 variant allele.
Comment: Clinical significance based on ACMG v2.0

This variant was classified as Uncertain significance based on ACMG criteria: PM1, PP2, PM2.

Literature cited by the submitters: PubMed 29114839 (cited by Labcorp Genetics (formerly Invitae), Labcorp); PubMed 36909829 (cited by Labcorp Genetics (formerly Invitae), Labcorp and Ophthalmic Genetics Group, Institute of Molecular and Clinical Ophthalmology Basel).

NM_000350.3(ABCA4):c.4340A>T (p.Glu1447Val)

Gene: ABCA4 (ATP binding cassette subfamily A member 4; minus strand). Cytogenetic location: 1p22.1.
Variant type: single nucleotide variant.
Coding change: c.4340A>T on transcript NM_000350.3 (MANE Select); coding-DNA position 4340, A replaced by T.
Protein change: p.Glu1447Val; replaces glutamic acid 1447 with valine.
Molecular consequence: missense variant.
Genome position (GRCh38, 1-based): chr1:94,030,440, T>A on the plus strand (A>T on the coding strand, the complement: ABCA4 is on the minus strand). VCF-style: chr1-94030440-T-A. GRCh37 (hg19) VCF-style: chr1-94495996-T-A.
Other names: NP_000341.2:p.(Glu1447Val); c.4118A>T, p.Glu1373Val (NM_001425324.1); short protein forms E1447V, E1373V.
Identifiers: ClinVar variation 1471303 (VCV001471303.10), dbSNP rs2101034896, ClinGen allele CA341285681.